The following is an entry in ClinVar:

NM_002087.4(GRN):c.784_785del (p.Ser262fs)

Gene: GRN (granulin precursor; plus strand). Cytogenetic location: 17q21.31.
Variant type: Microsatellite.
Coding change: c.784_785del on transcript NM_002087.4 (MANE Select); coding-DNA positions 784 to 785, 2 bases deleted (TC; older notation c.784_785delTC).
Protein change: p.Ser262fs; shifts the reading frame from serine 262.
Molecular consequence: frameshift variant.
Genome position (GRCh38, 1-based): chr17:44,351,112-44,351,113, TC deleted; deleting any 2 consecutive bases within chr17:44,351,109-44,351,113 gives the same sequence; the c. name uses the placement nearest the transcript's 3' end. VCF-style (leftmost placement, unchanged base first): chr17-44351108-CCT-C. GRCh37 (hg19) VCF-style: chr17-42428476-CCT-C.
Other names: short protein forms S262fs.
Identifiers: ClinVar variation 4786875 (VCV004786875.1).

ClinVar aggregate classification (germline): Pathogenic (1 of 4 stars; one submission).

Conditions:
Neuronal ceroid lipofuscinosis 11. Also called: GRN-Related Neuronal Ceroid-Lipofuscinosis. Identifiers: Orphanet 314629, Orphanet 79262, MedGen C3539123, MONDO:0013866, OMIM 614706.
GRN-related frontotemporal lobar degeneration with Tdp43 inclusions (FTD2). Also called: DEMENTIA, HEREDITARY DYSPHASIC DISINHIBITION; FRONTOTEMPORAL LOBAR DEGENERATION WITH UBIQUITIN-POSITIVE INCLUSIONS; FTLD-TDP, GRN-RELATED; FRONTOTEMPORAL DEMENTIA WITH TDP43 INCLUSIONS, GRN-RELATED; GRN Frontotemporal Dementia. Identifiers: Orphanet 100070, Orphanet 282, MedGen C1843792, MONDO:0011842, OMIM 607485. Disease mechanism: loss of function.

Submission:

Labcorp Genetics (formerly Invitae), Labcorp
Classification: Pathogenic for Neuronal ceroid lipofuscinosis 11; GRN-related frontotemporal lobar degeneration with Tdp43 inclusions. Last evaluated: 2025-12-01. Review status: criteria provided, single submitter. Criteria: Invitae Variant Classification Sherloc (09022015). Collection method: clinical testing. Allele origin: germline.
Comment: This sequence change creates a premature translational stop signal (p.Ser262Glnfs*11) in the GRN gene. It is expected to result in an absent or disrupted protein product. Loss-of-function variants in GRN are known to be pathogenic (PMID: 16862116, 16950801, 22608501). This variant is not present in population databases (gnomAD no frequency). This variant has not been reported in the literature in individuals affected with GRN-related conditions. For these reasons, this variant has been classified as Pathogenic.

Literature cited by the submitters: PubMed 16862116; PubMed 16950801; PubMed 22608501.